The following is an entry in ClinVar:

ClinVar aggregate classification (germline): Likely benign (0 of 4 stars; one submission).

Conditions:
PTPRQ-related disorder. Also called: PTPRQ-related condition.

gnomAD v4.1: 2 of 1,541,576 alleles (0.00013%); highest among the groups gnomAD compares: Non-Finnish European, 0.00018%; no homozygotes.

Submission:

PreventionGenetics, part of Exact Sciences
Classification: Likely benign for PTPRQ-related condition. Last evaluated: 2024-03-21. Review status: no assertion criteria provided. Collection method: clinical testing. Allele origin: germline.
Comment: This variant is classified as likely benign based on ACMG/AMP sequence variant interpretation guidelines (Richards et al. 2015 PMID: 25741868, with internal and published modifications).

NM_001145026.2(PTPRQ):c.4910T>C (p.Leu1637Ser)

Gene: PTPRQ (protein tyrosine phosphatase receptor type Q; plus strand). Cytogenetic location: 12q21.31.
Variant type: single nucleotide variant.
Coding change: c.4910T>C on transcript NM_001145026.2 (MANE Select); coding-DNA position 4910, T replaced by C.
Protein change: p.Leu1637Ser; replaces leucine 1637 with serine.
Molecular consequence: missense variant.
Genome position (GRCh38, 1-based): chr12:80,610,617, T>C. VCF-style: chr12-80610617-T-C. GRCh37 (hg19) VCF-style: chr12-81004396-T-C.
Other names: short protein forms L1637S.
Identifiers: ClinVar variation 3352788 (VCV003352788.1).